The following is an entry in ClinVar:

ClinVar aggregate classification (germline): Pathogenic (1 of 4 stars; one submission).

Submission:

Labcorp Genetics (formerly Invitae), Labcorp
Classification: Pathogenic. Last evaluated: 2026-01-07. Review status: criteria provided, single submitter. Criteria: Invitae Variant Classification Sherloc (09022015). Collection method: clinical testing. Allele origin: germline.
Comment: This sequence change creates a premature translational stop signal (p.Val39Lysfs*47) in the CARMIL2 gene. It is expected to result in an absent or disrupted protein product. Loss-of-function variants in CARMIL2 are known to be pathogenic (PMID: 27647349, 28112205). This variant is not present in population databases (gnomAD no frequency). This variant has not been reported in the literature in individuals affected with CARMIL2-related conditions. For these reasons, this variant has been classified as Pathogenic.

Literature cited by the submitters: PubMed 27647349; PubMed 28112205.

NM_001013838.3(CARMIL2):c.114_118del (p.Val39fs)

Gene: CARMIL2 (capping protein regulator and myosin 1 linker 2; plus strand). Cytogenetic location: 16q22.1.
Variant type: Deletion.
Coding change: c.114_118del on transcript NM_001013838.3 (MANE Select); coding-DNA positions 114 to 118, 5 bases deleted (TGTGC; older notation c.114_118delTGTGC).
Protein change: p.Val39fs; shifts the reading frame from valine 39.
Molecular consequence: frameshift variant.
Genome position (GRCh38, 1-based): chr16:67,645,613-67,645,617, TGTGC deleted; deleting any 5 consecutive bases within chr16:67,645,609-67,645,617 gives the same sequence; the c. name uses the placement nearest the transcript's 3' end. VCF-style (leftmost placement, unchanged base first): chr16-67645608-GGTGCT-G. GRCh37 (hg19) VCF-style: chr16-67679511-GGTGCT-G.
Other names: c.114_118del, p.Val39fs (NM_001317026.3, NM_001438244.1, NM_001438835.1); short protein forms V39fs.
Identifiers: ClinVar variation 4734908 (VCV004734908.1).